The following is an entry in ClinVar:

NM_025074.7(FRAS1):c.9435G>A (p.Val3145=)

Gene: FRAS1 (Fraser extracellular matrix complex subunit 1; plus strand). Cytogenetic location: 4q21.21.
Variant type: single nucleotide variant.
Coding change: c.9435G>A on transcript NM_025074.7 (MANE Select); coding-DNA position 9435, G replaced by A.
Protein change: p.Val3145=; no amino-acid change (valine 3145 retained).
Molecular consequence: synonymous variant.
Genome position (GRCh38, 1-based): chr4:78,507,539, G>A. VCF-style: chr4-78507539-G-A. GRCh37 (hg19) VCF-style: chr4-79428693-G-A.
Other names: c.9435G>A (NM_025074.6).
Identifiers: ClinVar variation 2986408 (VCV002986408.6), dbSNP rs1471784154, ClinGen allele CA439981780.
Genomic context (GRCh38, chr4:78,507,539, plus strand): 5'-TGAATCTTTCTCACTAGTCCTTGGCCCAGATGACCCAGTGGAAGCAGTTCTTGGGGATGT[G>A]ACTACTGCCACGGTGACAATTCTAGACCAGGAGGCAGCAGGGAGCCTCATATTGCCAGCA-3'
Protein context (NP_079350.5, residues 3135-3155): DDPVEAVLGD[Val3145=]TTATVTILDQ

ClinVar aggregate classification (germline): Conflicting classifications of pathogenicity. Review status: criteria provided, conflicting classifications (1 of 4 stars). 3 submissions from 3 submitters: Uncertain significance (1); Likely benign (1). 1 of the submissions does not count toward it. Last evaluated 2024-05-30.

Conditions:
Fraser syndrome 1 (FRASRS1). Also called: CRYPTOPHTHALMOS WITH OTHER MALFORMATIONS. Identifiers: Orphanet 2052, MedGen C4551480, MONDO:0054737, OMIM 219000.
FRAS1-related disorder. Also called: FRAS1-related condition.

Allele frequency attached by ClinVar (database versions not stated): TOPMed 0.00001; gnomAD 0.00002; gnomAD exomes 0.00002.
gnomAD v4.1: 37 of 1,612,044 alleles (0.0023%); highest among the groups gnomAD compares: Non-Finnish European, 0.003%; no homozygotes.

Submissions (3):

Fulgent Genetics
Classification: Uncertain significance for Fraser syndrome 1. Last evaluated: 2024-05-30. Review status: criteria provided, single submitter. Criteria: ACMG Guidelines, 2015. Collection method: clinical testing. Allele origin: germline.

Labcorp Genetics (formerly Invitae), Labcorp
Classification: Likely benign. Last evaluated: 2024-01-30. Review status: criteria provided, single submitter. Criteria: Invitae Variant Classification Sherloc (09022015). Collection method: clinical testing. Allele origin: germline.

PreventionGenetics, part of Exact Sciences
Classification: Likely benign for FRAS1-related condition. Last evaluated: 2019-12-19. Review status: no assertion criteria provided. Collection method: clinical testing. Allele origin: germline. Not counted in ClinVar's aggregate classification.
Comment: This variant is classified as likely benign based on ACMG/AMP sequence variant interpretation guidelines (Richards et al. 2015 PMID: 25741868, with internal and published modifications).